The following is an entry in ClinVar:

NM_172364.5(CACNA2D4):c.472A>G (p.Asn158Asp)

Gene: CACNA2D4 (calcium voltage-gated channel auxiliary subunit alpha2delta 4; minus strand). Cytogenetic location: 12p13.33.
Variant type: single nucleotide variant.
Coding change: c.472A>G on transcript NM_172364.5 (MANE Select); coding-DNA position 472, A replaced by G.
Protein change: p.Asn158Asp; replaces asparagine 158 with aspartic acid.
Molecular consequence: missense variant.
Genome position (GRCh38, 1-based): chr12:1,909,920, T>C on the plus strand (A>G on the coding strand, the complement: CACNA2D4 is on the minus strand). VCF-style: chr12-1909920-T-C. GRCh37 (hg19) VCF-style: chr12-2019086-T-C.
Other names: short protein forms N158D.
Identifiers: ClinVar variation 1523036 (VCV001523036.8), dbSNP rs2154452480, ClinGen allele CA383364739.

ClinVar aggregate classification (germline): Uncertain significance (1 of 4 stars; one submission).

Submission:

Labcorp Genetics (formerly Invitae), Labcorp
Classification: Uncertain significance. Last evaluated: 2024-10-15. Review status: criteria provided, single submitter. Criteria: Invitae Variant Classification Sherloc (09022015). Collection method: clinical testing. Allele origin: germline.
Comment: This sequence change replaces asparagine, which is neutral and polar, with aspartic acid, which is acidic and polar, at codon 158 of the CACNA2D4 protein (p.Asn158Asp). This variant is not present in population databases (gnomAD no frequency). This variant has not been reported in the literature in individuals affected with CACNA2D4-related conditions. ClinVar contains an entry for this variant (Variation ID: 1523036). An algorithm developed to predict the effect of missense changes on protein structure and function (PolyPhen-2) suggests that this variant is likely to be tolerated. In summary, the available evidence is currently insufficient to determine the role of this variant in disease. Therefore, it has been classified as a Variant of Uncertain Significance.